The following is an entry in ClinVar:

ClinVar aggregate classification (germline): Uncertain significance. Review status: criteria provided, multiple submitters, no conflicts (2 of 4 stars). 7 submissions from 7 submitters: Uncertain significance (6). 1 of the submissions does not count toward it. Last evaluated 2025-08-24.

Conditions:
Familial ovarian cancer. Identifiers: MedGen C5679802, MONDO:0016248.
Hereditary cancer-predisposing syndrome. Also called: Tumor predisposition; Hereditary neoplastic syndrome; Neoplastic Syndromes, Hereditary; Hereditary Cancer Syndrome. Identifiers: Orphanet 140162, MedGen C0027672, MeSH D009386, MONDO:0015356.
Familial cancer of breast. Also called: BREAST CANCER, FAMILIAL; Hereditary breast cancer; hereditary breast carcinoma. Identifiers: Orphanet 227535, MedGen C0346153, MONDO:0016419, OMIM 114480. Disease mechanism: loss of function.
Fanconi anemia complementation group J. Also called: BRIP1-Related Fanconi Anemia. Identifiers: Orphanet 84, MedGen C1836860, MONDO:0012187, OMIM 609054.

Allele frequency attached by ClinVar (database versions not stated): TOPMed below 0.00001; gnomAD exomes 0.00001.
gnomAD v4.1: 10 of 1,614,160 alleles (0.00062%); highest among the groups gnomAD compares: Non-Finnish European, 0.00076%; no homozygotes.

Submissions (7):

Labcorp Genetics (formerly Invitae), Labcorp
Classification: Uncertain significance for Familial cancer of breast; Fanconi anemia complementation group J. Last evaluated: 2025-08-24. Review status: criteria provided, single submitter. Criteria: Invitae Variant Classification Sherloc (09022015). Collection method: clinical testing. Allele origin: germline.
Comment: This sequence change replaces glutamic acid, which is acidic and polar, with glycine, which is neutral and non-polar, at codon 671 of the BRIP1 protein (p.Glu671Gly). This variant is not present in population databases (gnomAD no frequency). This variant has not been reported in the literature in individuals affected with BRIP1-related conditions. ClinVar contains an entry for this variant (Variation ID: 133750). Invitae Evidence Modeling of protein sequence and biophysical properties (such as structural, functional, and spatial information, amino acid conservation, physicochemical variation, residue mobility, and thermodynamic stability) has been performed for this missense variant. However, the output from this modeling did not meet the statistical confidence thresholds required to predict the impact of this variant on BRIP1 protein function. In summary, the available evidence is currently insufficient to determine the role of this variant in disease. Therefore, it has been classified as a Variant of Uncertain Significance.

Ambry Genetics
Classification: Uncertain significance for Hereditary cancer-predisposing syndrome. Last evaluated: 2025-06-19. Review status: criteria provided, single submitter. Criteria: Ambry Variant Classification Scheme 2023. Collection method: clinical testing. Allele origin: germline.
Comment: The p.E671G variant (also known as c.2012A>G), located in coding exon 13 of the BRIP1 gene, results from an A to G substitution at nucleotide position 2012. The glutamic acid at codon 671 is replaced by glycine, an amino acid with similar properties. This amino acid position is not well conserved in available vertebrate species. In addition, this alteration is predicted to be tolerated by in silico analysis. Since supporting evidence is limited at this time, the clinical significance of this alteration remains unclear.

Molecular Pathology, Peter Maccallum Cancer Centre
Classification: Uncertain significance for Familial ovarian cancer. Last evaluated: 2025-03-31. Review status: criteria provided, single submitter. Criteria: ACMG Guidelines, 2015. Collection method: clinical testing. Allele origin: germline. Inheritance: Autosomal dominant inheritance.

Color Diagnostics, LLC DBA Color Health
Classification: Uncertain significance for Hereditary cancer-predisposing syndrome. Last evaluated: 2025-01-07. Review status: criteria provided, single submitter. Criteria: ACMG Guidelines, 2015. Collection method: clinical testing. Allele origin: germline.
Comment: This missense variant replaces glutamic acid with glycine at codon 671 of the BRIP1 protein. Computational prediction suggests that this variant may not impact protein structure and function. To our knowledge, functional studies have not been reported for this variant. This variant has not been reported in individuals affected with hereditary cancer in the literature. This variant has not been identified in the general population by the Genome Aggregation Database (gnomAD). The available evidence is insufficient to determine the role of this variant in disease conclusively. Therefore, this variant is classified as a Variant of Uncertain Significance.

Baylor Genetics
Classification: Uncertain significance for Familial cancer of breast. Last evaluated: 2023-06-15. Review status: criteria provided, single submitter. Criteria: ACMG Guidelines, 2015. Collection method: clinical testing. Allele origin: unknown.

GeneDx
Classification: Uncertain significance. Last evaluated: 2016-01-22. Review status: criteria provided, single submitter. Criteria: GeneDx Variant Classification (06012015). Collection method: clinical testing. Allele origin: germline. Affected: yes.
Comment: This variant is denoted BRIP1 c.2012A>G at the cDNA level, p.Glu671Gly (E671G) at the protein level, and results in the change of a Glutamic Acid to a Glycine (GAG>GGG). This variant has not, to our knowledge, been published in the literature as pathogenic or benign. BRIP1 Glu671Gly was not observed in approximately 6,500 individuals of European and African American ancestry in the NHLBI Exome Sequencing Project, suggesting it is not a common benign variant in these populations. Since Glutamic Acid and Glycine differ in polarity, charge, size or other properties, this is considered a non-conservative amino acid substitution. BRIP1 Glu671Gly occurs at a position that is not conserved and is located in the helicase domain (Cantor 2011). In silico analyses are inconsistent regarding the effect this variant may have on protein structure and function. Based on currently available evidence, it is unclear whether BRIP1 Glu671Gly is a pathogenic or benign variant. We consider it to be a variant of uncertain significance.

ITMI
No classification provided. Condition: AllHighlyPenetrant. Last evaluated: 2013-09-19. Review status: no classification provided. Collection method: reference population. Allele origin: germline. Not counted in ClinVar's aggregate classification.
Comment: Please see associated publication for description of ethnicities

Literature cited by the submitters: PubMed 24728327 (cited by ITMI).

NM_032043.3(BRIP1):c.2012A>G (p.Glu671Gly)

Gene: BRIP1 (BRCA1 interacting DNA helicase 1; minus strand). Cytogenetic location: 17q23.2.
Variant type: single nucleotide variant.
Coding change: c.2012A>G on transcript NM_032043.3 (MANE Select); coding-DNA position 2012, A replaced by G.
Protein change: p.Glu671Gly; replaces glutamic acid 671 with glycine.
Molecular consequence: missense variant.
Genome position (GRCh38, 1-based): chr17:61,776,486, T>C on the plus strand (A>G on the coding strand, the complement: BRIP1 is on the minus strand). VCF-style: chr17-61776486-T-C. GRCh37 (hg19) VCF-style: chr17-59853847-T-C.
Other names: short protein forms E671G.
Identifiers: ClinVar variation 133750 (VCV000133750.22), dbSNP rs587778135, ClinGen allele CA157686.